The following is an entry in ClinVar:

ClinVar aggregate classification (germline): Pathogenic (1 of 4 stars; one submission).

Submission:

Labcorp Genetics (formerly Invitae), Labcorp
Classification: Pathogenic. Last evaluated: 2023-07-14. Review status: criteria provided, single submitter. Criteria: Invitae Variant Classification Sherloc (09022015). Collection method: clinical testing. Allele origin: germline.
Comment: For these reasons, this variant has been classified as Pathogenic. This variant disrupts a region of the SMARCB1 protein in which other variant(s) (p.Arg37His) have been determined to be pathogenic (PMID: 22726846, 29907796). This suggests that this is a clinically significant region of the protein, and that variants that disrupt it are likely to be disease-causing. ClinVar contains an entry for this variant (Variation ID: 955301). This variant has not been reported in the literature in individuals affected with SMARCB1-related conditions. This variant is not present in population databases (gnomAD no frequency). This variant, c.104_115del, results in the deletion of 4 amino acid(s) of the SMARCB1 protein (p.Tyr35_Met38del), but otherwise preserves the integrity of the reading frame.

Literature cited by the submitters: PubMed 22726846; PubMed 29907796.

NM_003073.5(SMARCB1):c.104_115del (p.Tyr35_Met38del)

Gene: SMARCB1 (SWI/SNF related BAF chromatin remodeling complex subunit B1; plus strand). Cytogenetic location: 22q11.23.
Variant type: Deletion.
Coding change: c.104_115del on transcript NM_003073.5 (MANE Select); coding-DNA positions 104 to 115, 12 bases deleted (ACCTCCGTATGT).
Protein change: p.Tyr35_Met38del.
Molecular consequence: inframe deletion.
Genome position (GRCh38, 1-based): chr22:23,791,766-23,791,777, ACCTCCGTATGT deleted; deleting any 12 consecutive bases within chr22:23,791,765-23,791,777 gives the same sequence; the c. name uses the placement nearest the transcript's 3' end. VCF-style (leftmost placement, unchanged base first): chr22-23791764-CTACCTCCGTATG-C. GRCh37 (hg19) VCF-style: chr22-24133951-CTACCTCCGTATG-C.
Other names: c.104_115del, p.Tyr35_Met38del (NM_001007468.3, NM_001317946.2, NM_001362877.2).
Identifiers: ClinVar variation 955301 (VCV000955301.9), dbSNP rs1928395725, ClinGen allele CA1139666983.